The following is an entry in ClinVar:

NM_003803.4(MYOM1):c.4195T>C (p.Ser1399Pro)

Gene: MYOM1 (myomesin 1; minus strand). Cytogenetic location: 18p11.31.
Variant type: single nucleotide variant.
Coding change: c.4195T>C on transcript NM_003803.4 (MANE Select); coding-DNA position 4195, T replaced by C.
Protein change: p.Ser1399Pro; replaces serine 1399 with proline.
Molecular consequence: missense variant.
Genome position (GRCh38, 1-based): chr18:3,086,094, A>G on the plus strand (T>C on the coding strand, the complement: MYOM1 is on the minus strand). VCF-style: chr18-3086094-A-G. GRCh37 (hg19) VCF-style: chr18-3086092-A-G.
Other names: c.3907T>C, p.Ser1303Pro (NM_019856.2); short protein forms S1399P, S1303P.
Identifiers: ClinVar variation 1509778 (VCV001509778.6), dbSNP rs2079150081, ClinGen allele CA401710941.

ClinVar aggregate classification (germline): Uncertain significance (1 of 4 stars; one submission).

Conditions:
Hypertrophic cardiomyopathy. Also called: HYPERTROPHIC MYOCARDIOPATHY. Identifiers: Orphanet 217569, MedGen C0007194, MeSH D002312, MONDO:0005045, HP:0001639.

Allele frequency attached by ClinVar (database versions not stated): gnomAD exomes below 0.00001; gnomAD 0.00001.
gnomAD v4.1: 2 of 1,612,048 alleles (0.00012%); highest among the groups gnomAD compares: Admixed American, 0.0017%; no homozygotes.

Submission:

Labcorp Genetics (formerly Invitae), Labcorp
Classification: Uncertain significance for Hypertrophic cardiomyopathy. Last evaluated: 2023-05-01. Review status: criteria provided, single submitter. Criteria: Invitae Variant Classification Sherloc (09022015). Collection method: clinical testing. Allele origin: germline.
Comment: ClinVar contains an entry for this variant (Variation ID: 1509778). This variant has not been reported in the literature in individuals affected with MYOM1-related conditions. This variant is not present in population databases (gnomAD no frequency). This sequence change replaces serine, which is neutral and polar, with proline, which is neutral and non-polar, at codon 1399 of the MYOM1 protein (p.Ser1399Pro). Advanced modeling of protein sequence and biophysical properties (such as structural, functional, and spatial information, amino acid conservation, physicochemical variation, residue mobility, and thermodynamic stability) performed at Invitae indicates that this missense variant is not expected to disrupt MYOM1 protein function. In summary, the available evidence is currently insufficient to determine the role of this variant in disease. Therefore, it has been classified as a Variant of Uncertain Significance.